The following is an entry in ClinVar:

ClinVar aggregate classification (germline): Uncertain significance (1 of 4 stars; one submission).

Submission:

Labcorp Genetics (formerly Invitae), Labcorp
Classification: Uncertain significance. Last evaluated: 2022-04-28. Review status: criteria provided, single submitter. Criteria: Invitae Variant Classification Sherloc (09022015). Collection method: clinical testing. Allele origin: germline.
Comment: In summary, the available evidence is currently insufficient to determine the role of this variant in disease. Therefore, it has been classified as a Variant of Uncertain Significance. Algorithms developed to predict the effect of missense changes on protein structure and function are either unavailable or do not agree on the potential impact of this missense change (SIFT: "Deleterious"; PolyPhen-2: "Possibly Damaging"; Align-GVGD: "Class C0"). This variant has not been reported in the literature in individuals affected with FOXL2-related conditions. This variant is not present in population databases (gnomAD no frequency). This sequence change replaces proline, which is neutral and non-polar, with arginine, which is basic and polar, at codon 257 of the FOXL2 protein (p.Pro257Arg).

NM_023067.4(FOXL2):c.770C>G (p.Pro257Arg)

Gene: FOXL2 (forkhead box L2; minus strand). Cytogenetic location: 3q22.3.
Variant type: single nucleotide variant.
Coding change: c.770C>G on transcript NM_023067.4 (MANE Select); coding-DNA position 770, C replaced by G.
Protein change: p.Pro257Arg; replaces proline 257 with arginine.
Molecular consequence: missense variant.
Genome position (GRCh38, 1-based): chr3:138,945,953, G>C on the plus strand (C>G on the coding strand, the complement: FOXL2 is on the minus strand). VCF-style: chr3-138945953-G-C. GRCh37 (hg19) VCF-style: chr3-138664795-G-C.
Other names: short protein forms P257R.
Identifiers: ClinVar variation 2113869 (VCV002113869.4), dbSNP rs113777439, ClinGen allele CA354703714.
Genomic context (GRCh38, chr3:138,945,953, plus strand): 5'-AGGCCATTGTACGAGTTCACTACGCCGGGGGGCAGCGCCATGCTCTGCACGCGTGTGTAC[G>C]GCCCGTACGAGGCGGCCGGGCCCGCCAGCCCCTTGACCACAGCGGCCGCGCCAGGGCTAC-3'
Protein context (NP_075555.1, residues 247-267): GLAGPAASYG[Pro257Arg]YTRVQSMALP